The following is an entry in ClinVar:

ClinVar aggregate classification (germline): Conflicting classifications of pathogenicity. Review status: criteria provided, conflicting classifications (1 of 4 stars). 2 submissions from 2 submitters: Uncertain significance (1); Likely benign (1). Last evaluated 2025-03-30.

Conditions:
Inborn genetic diseases. Identifiers: MedGen C0950123, MeSH D030342.

Allele frequency attached by ClinVar (database versions not stated): ExAC 0.00001; TOPMed 0.00003; gnomAD 0.00004; gnomAD exomes 0.00008; ESP Exome Variant Server 0.00015.
gnomAD v4.1: 117 of 1,601,376 alleles (0.0073%); highest among the groups gnomAD compares: Non-Finnish European, 0.0099%; no homozygotes.

Submissions (2):

Ambry Genetics
Classification: Likely benign for Inborn genetic diseases. Last evaluated: 2025-03-30. Review status: criteria provided, single submitter. Criteria: Ambry Variant Classification Scheme 2023. Collection method: clinical testing. Allele origin: germline.

Labcorp Genetics (formerly Invitae), Labcorp
Classification: Uncertain significance. Last evaluated: 2023-08-04. Review status: criteria provided, single submitter. Criteria: Invitae Variant Classification Sherloc (09022015). Collection method: clinical testing. Allele origin: germline.
Comment: This sequence change replaces threonine, which is neutral and polar, with asparagine, which is neutral and polar, at codon 2986 of the TRRAP protein (p.Thr2986Asn). This variant is present in population databases (rs142109326, gnomAD 0.003%). In summary, the available evidence is currently insufficient to determine the role of this variant in disease. Therefore, it has been classified as a Variant of Uncertain Significance. Advanced modeling of protein sequence and biophysical properties (such as structural, functional, and spatial information, amino acid conservation, physicochemical variation, residue mobility, and thermodynamic stability) performed at Invitae indicates that this missense variant is not expected to disrupt TRRAP protein function. ClinVar contains an entry for this variant (Variation ID: 2180295). This variant has not been reported in the literature in individuals affected with TRRAP-related conditions.

NM_001375524.1(TRRAP):c.9032C>A (p.Thr3011Asn)

Gene: TRRAP (transformation/transcription domain associated protein; plus strand). Cytogenetic location: 7q22.1.
Variant type: single nucleotide variant.
Coding change: c.9032C>A on transcript NM_001375524.1 (MANE Select); coding-DNA position 9032, C replaced by A.
Protein change: p.Thr3011Asn; replaces threonine 3011 with asparagine.
Molecular consequence: missense variant.
Genome position (GRCh38, 1-based): chr7:98,984,102, C>A. VCF-style: chr7-98984102-C-A. GRCh37 (hg19) VCF-style: chr7-98581725-C-A.
Other names: c.9044C>A (NM_001244580.1); c.9044C>A, p.Thr3015Asn (NM_001244580.2); c.8957C>A, p.Thr2986Asn (NM_003496.4); short protein forms T3015N, T2986N, T3011N.
Identifiers: ClinVar variation 2180295 (VCV002180295.5), dbSNP rs142109326, ClinGen allele CA4361623.
Genomic context (GRCh38, chr7:98,984,102, plus strand): 5'-GCTTTGAAAGAGGATCGGTGTGGGCTAATGATTCCTTTCTTTGCCCTCTAGCGATTGTAA[C>A]TGCCTATGAGAATAGCTCTCAGCATGATCCCAGTTCAAATAACGCTATGCTTGGGGTTCA-3'
Protein context (NP_001362453.1, residues 3001-3021): WRQHHYQAIV[Thr3011Asn]AYENSSQHDP